The following is an entry in ClinVar:

NM_152906.7(TANGO2):c.685G>A (p.Val229Met)

Gene: TANGO2 (transport and golgi organization 2 homolog; plus strand). Cytogenetic location: 22q11.21.
Variant type: single nucleotide variant.
Coding change: c.685G>A on transcript NM_152906.7 (MANE Select); coding-DNA position 685, G replaced by A.
Protein change: p.Val229Met; replaces valine 229 with methionine.
Molecular consequence: missense variant. On other transcripts: 3 prime UTR variant (1), non-coding transcript variant (5), intron variant (1).
Genome position (GRCh38, 1-based): chr22:20,063,417, G>A. VCF-style: chr22-20063417-G-A. GRCh37 (hg19) VCF-style: chr22-20050940-G-A.
Other names: c.685G>A, p.Val229Met (NM_001283106.3, NM_001283116.3, NM_001322142.2); c.808G>A, p.Val270Met (NM_001283129.3, NM_001322141.2, NM_001322143.2); c.683G>A, p.Arg228His (NM_001283148.3, NM_001283154.3); c.499G>A, p.Val167Met (NM_001283179.3, NM_001283186.3, NM_001322163.2 and 2 more transcripts); c.460G>A, p.Val154Met (NM_001283199.3); c.391G>A, p.Val131Met (NM_001283235.3, NM_001322150.2, NM_001322153.2 and 6 more transcripts); c.*21G>A (NM_001283248.3); c.806G>A, p.Arg269His (NM_001322144.2); and 6 more; short protein forms V154M, V195M, R194H, R269H, V131M, V229M, V270M, R166H.
Identifiers: ClinVar variation 1444843 (VCV001444843.4), dbSNP rs371101680, ClinGen allele CA10106530.

ClinVar aggregate classification (germline): Uncertain significance. Review status: criteria provided, multiple submitters, no conflicts (2 of 4 stars). 2 submissions from 2 submitters: Uncertain significance (2). Last evaluated 2023-06-07.

Conditions:
Inborn genetic diseases. Identifiers: MedGen C0950123, MeSH D030342.

Allele frequency attached by ClinVar (database versions not stated): gnomAD exomes 0.00001 and 0.00002; TOPMed 0.00003; gnomAD 0.00004; ESP Exome Variant Server 0.00008.

Submissions (2):

Ambry Genetics
Classification: Uncertain significance for Inborn genetic diseases. Last evaluated: 2023-06-07. Review status: criteria provided, single submitter. Criteria: Ambry Variant Classification Scheme 2023. Collection method: clinical testing. Allele origin: germline.

Labcorp Genetics (formerly Invitae), Labcorp
Classification: Uncertain significance. Last evaluated: 2022-04-07. Review status: criteria provided, single submitter. Criteria: Invitae Variant Classification Sherloc (09022015). Collection method: clinical testing. Allele origin: germline.
Comment: This sequence change replaces valine with methionine at codon 229 of the TANGO2 protein (p.Val229Met). The valine residue is moderately conserved and there is a small physicochemical difference between valine and methionine. This variant is present in population databases (rs371101680, gnomAD 0.01%). This variant has not been reported in the literature in individuals affected with TANGO2-related conditions. Algorithms developed to predict the effect of missense changes on protein structure and function are either unavailable or do not agree on the potential impact of this missense change (SIFT: "Not Available"; PolyPhen-2: "Probably Damaging"; Align-GVGD: "Not Available"). In summary, the available evidence is currently insufficient to determine the role of this variant in disease. Therefore, it has been classified as a Variant of Uncertain Significance.